The following is an entry in ClinVar:

ClinVar aggregate classification (germline): Likely pathogenic (1 of 4 stars; one submission).

Conditions:
Bardet-Biedl syndrome 2 (BBS2). Identifiers: Orphanet 110, MedGen C2936863, MONDO:0014432, OMIM 615981.

Submission:

Myriad Genetics, Inc.
Classification: Likely pathogenic for Bardet-Biedl syndrome 2. Last evaluated: 2022-03-29. Review status: criteria provided, single submitter. Criteria: Myriad Women's Health Autosomal Recessive and X-Linked Classification Criteria (2021). Collection method: clinical testing. Allele origin: unknown.
Comment: NM_031885.3(BBS2):c.1245_1261del17(L416Nfs*5) is expected to be pathogenic in the context of Bardet-Biedl syndrome, BBS2-related. This variant is predicted to lead to an abnormal or absent protein product due to the creation of a premature termination codon in BBS2, a gene where loss-of-function variants are known to be pathogenic. Please note: this variant was assessed in the context of healthy population screening.

NM_031885.5(BBS2):c.1245_1261del (p.Leu416fs)

Gene: BBS2 (Bardet-Biedl syndrome 2; minus strand). Cytogenetic location: 16q13.
Variant type: Deletion.
Coding change: c.1245_1261del on transcript NM_031885.5 (MANE Select); coding-DNA positions 1245 to 1261, 17 bases deleted (ATTGATTTTTGCAGAAG).
Protein change: p.Leu416fs; shifts the reading frame from leucine 416.
Molecular consequence: frameshift variant. On other transcripts: non-coding transcript variant (2).
Genome position (GRCh38, 1-based): chr16:56,500,990-56,501,006, CTTCTGCAAAAATCAAT deleted on the plus strand (ATTGATTTTTGCAGAAG on the coding strand, the reverse complement: BBS2 is on the minus strand). VCF-style (leftmost placement, unchanged base first): chr16-56500989-CCTTCTGCAAAAATCAAT-C. GRCh37 (hg19) VCF-style: chr16-56534901-CCTTCTGCAAAAATCAAT-C.
Other names: c.1245_1261del, p.Leu416fs (NM_001377456.1); short protein forms L416fs.
Identifiers: ClinVar variation 1725510 (VCV001725510.2), dbSNP rs2543707890, ClinGen allele CA2580091667.